The following is an entry in ClinVar:

NM_003242.6(TGFBR2):c.151T>C (p.Cys51Arg)

Gene: TGFBR2 (transforming growth factor beta receptor 2; plus strand). Cytogenetic location: 3p24.1.
Variant type: single nucleotide variant.
Coding change: c.151T>C on transcript NM_003242.6 (MANE Select); coding-DNA position 151, T replaced by C.
Protein change: p.Cys51Arg; replaces cysteine 51 with arginine.
Molecular consequence: missense variant.
Genome position (GRCh38, 1-based): chr3:30,644,803, T>C. VCF-style: chr3-30644803-T-C. GRCh37 (hg19) VCF-style: chr3-30686295-T-C.
Other names: c.226T>C, p.Cys76Arg (NM_001024847.3, NM_001407126.1, NM_001407139.1); c.151T>C, p.Cys51Arg (NM_001407127.1, NM_001407130.1); c.178T>C, p.Cys60Arg (NM_001407128.1); c.46T>C, p.Cys16Arg (NM_001407129.1, NM_001407132.1, NM_001407133.1 and 3 more transcripts); short protein forms C51R, C76R, C60R, C16R.
Identifiers: ClinVar variation 576570 (VCV000576570.8), dbSNP rs1559456531, ClinGen allele CA351806411.
Genomic context (GRCh38, chr3:30,644,803, plus strand): 5'-TCAGTTAATAACGACATGATAGTCACTGACAACAACGGTGCAGTCAAGTTTCCACAACTG[T>C]GTAAATTTTGTGATGTGAGATTTTCCACCTGTGACAACCAGAAATCCTGCATGAGCAACT-3'
Protein context (NP_003233.4, residues 41-61): NNGAVKFPQL[Cys51Arg]KFCDVRFSTC

ClinVar aggregate classification (germline): Conflicting classifications of pathogenicity. Review status: criteria provided, conflicting classifications (1 of 4 stars). 3 submissions from 3 submitters: Likely risk allele (1); Uncertain significance (2). Last evaluated 2024-03-05.

Conditions:
Diabetic retinopathy. Identifiers: MedGen C0011884, MONDO:0005266.
Loeys-Dietz syndrome 2 (LDS2). Also called: TGFBR2-Related Loeys-Dietz Syndrome; Marfan Syndrome type 2; Marfan like connective tissue disorder; MFS 2; AORTIC ANEURYSM, FAMILIAL THORACIC 3; MARFAN SYNDROME, TYPE II. Identifiers: Orphanet 284973, Orphanet 558, MedGen C2674574, MONDO:0012427, OMIM 610168.
Familial thoracic aortic aneurysm and aortic dissection (TAAD). Also called: Thoracic aortic aneurysms and dissections. Identifiers: Orphanet 91387, MedGen C4707243, MONDO:0019625.

Submissions (3):

All of Us Research Program, National Institutes of Health
Classification: Uncertain significance for Loeys-Dietz syndrome 2. Last evaluated: 2024-03-05. Review status: criteria provided, single submitter. Criteria: ACMG Guidelines, 2015. Collection method: clinical testing. Allele origin: germline. Inheritance: Autosomal dominant inheritance. Observed: 1 variant allele, 1 heterozygote.
Comment: This study involves interpretation of variants in research participants for the purpose of population health screening. Participant phenotype was not available at the time of variant classification. Additional details can be found in publication PMID: 35346344, PMCID: PMC8962531

Labcorp Genetics (formerly Invitae), Labcorp
Classification: Uncertain significance for Familial thoracic aortic aneurysm and aortic dissection. Last evaluated: 2018-06-20. Review status: criteria provided, single submitter. Criteria: Invitae Variant Classification Sherloc (09022015). Collection method: clinical testing. Allele origin: germline.
Comment: In summary, the available evidence is currently insufficient to determine the role of this variant in disease. Therefore, it has been classified as a Variant of Uncertain Significance. Algorithms developed to predict the effect of missense changes on protein structure and function (SIFT, PolyPhen-2, Align-GVGD) all suggest that this variant is likely to be disruptive, but these predictions have not been confirmed by published functional studies and their clinical significance is uncertain. This variant has not been reported in the literature in individuals with TGFBR2-related disease. This variant is not present in population databases (ExAC no frequency). This sequence change replaces cysteine with arginine at codon 51 of the TGFBR2 protein (p.Cys51Arg). The cysteine residue is highly conserved and there is a large physicochemical difference between cysteine and arginine.

Clinical Genomics, Uppaluri K&H Personalized Medicine Clinic
Classification: Likely risk allele for Diabetic retinopathy. Review status: criteria provided, single submitter. Criteria: K And H Uppaluri Personalized Medicine Clinic Variant Classification And Assertion Criteria Updated V 2. Collection method: research. Allele origin: unknown.
Comment: Potent mutations in TGFBR2 gene encodes the transforming growth factor that have been associated with angiogenesis and diabetic retinopathy. More clinical studies are needed for stronger association. However, more evidence is required to confer the association of this particular variant rs1559456531 with diabetic retinopathy.

Literature cited by the submitters: PubMed 30222965 (cited by Clinical Genomics, Uppaluri K&H Personalized Medicine Clinic); PubMed 28162229 (cited by Clinical Genomics, Uppaluri K&H Personalized Medicine Clinic); PubMed 34572573 (cited by Clinical Genomics, Uppaluri K&H Personalized Medicine Clinic).